The following is an entry in ClinVar:

ClinVar aggregate classification (germline): Uncertain significance (1 of 4 stars; one submission).

Submission:

Labcorp Genetics (formerly Invitae), Labcorp
Classification: Uncertain significance. Last evaluated: 2025-02-10. Review status: criteria provided, single submitter. Criteria: Invitae Variant Classification Sherloc (09022015). Collection method: clinical testing. Allele origin: germline.
Comment: This sequence change replaces glutamine, which is neutral and polar, with glutamic acid, which is acidic and polar, at codon 326 of the NPAT protein (p.Gln326Glu). This variant is not present in population databases (gnomAD no frequency). This variant has not been reported in the literature in individuals affected with NPAT-related conditions. An algorithm developed to predict the effect of missense changes on protein structure and function (PolyPhen-2) suggests that this variant is likely to be disruptive. In summary, the available evidence is currently insufficient to determine the role of this variant in disease. Therefore, it has been classified as a Variant of Uncertain Significance.

NM_002519.3(NPAT):c.976C>G (p.Gln326Glu)

Gene: NPAT (nuclear protein, coactivator of histone transcription; minus strand). Cytogenetic location: 11q22.3.
Variant type: single nucleotide variant.
Coding change: c.976C>G on transcript NM_002519.3 (MANE Select); coding-DNA position 976, C replaced by G.
Protein change: p.Gln326Glu; replaces glutamine 326 with glutamic acid.
Molecular consequence: missense variant.
Genome position (GRCh38, 1-based): chr11:108,177,021, G>C on the plus strand (C>G on the coding strand, the complement: NPAT is on the minus strand). VCF-style: chr11-108177021-G-C. GRCh37 (hg19) VCF-style: chr11-108047748-G-C.
Other names: c.976C>G, p.Gln326Glu (NM_001321307.1); short protein forms Q326E.
Identifiers: ClinVar variation 4694014 (VCV004694014.1).
Genomic context (GRCh38, chr11:108,177,021, plus strand): 5'-TTTTTTCTGTCTTGAAATAAATAGTCTCCTTACCATAGTCAAAGAGATCAAAGAGTGCCT[G>C]AAATGCTGGGTCTGATTCTGTCTGTTCCAATATGTCCTGTATAGCTTCTTCAGACATGTG-3'
Protein context (NP_002510.2, residues 316-336): LEQTESDPAF[Gln326Glu]ALFDLFDYGK